The following is an entry in ClinVar:

NM_001039591.3(USP9X):c.144dup (p.Asp49fs)

Gene: USP9X (ubiquitin specific peptidase 9 X-linked; plus strand). Cytogenetic location: Xp11.4.
Variant type: Duplication.
Coding change: c.144dup on transcript NM_001039591.3 (MANE Select); coding-DNA position 144, one base duplicated (A; older notation c.144dupA).
Protein change: p.Asp49fs; shifts the reading frame from aspartic acid 49.
Molecular consequence: frameshift variant.
Genome position (GRCh38, 1-based): chrX:41,129,047, A duplicated. VCF-style (leftmost placement, unchanged base first): chrX-41129046-C-CA. GRCh37 (hg19) VCF-style: chrX-40988299-C-CA.
Other names: c.144dup, p.Asp49fs (NM_001039590.3); short protein forms D49fs.
Identifiers: ClinVar variation 1074387 (VCV001074387.9), dbSNP rs2147005760, ClinGen allele CA2499226710.
Genomic context (GRCh38, chrX:41,129,046, plus strand): 5'-AATTTTTAATTAAGACTTCATCGCCTGATTCTTCCAATGAAAATTCCCCGGCAACTCCCC[C>CA]AGATGAGCAAGGTCAAGGTGATGCCCCACCACAGCTTGAAGATGAGGAACCTGCATTTCC-3'

ClinVar aggregate classification (germline): Pathogenic (1 of 4 stars; one submission).

Submission:

Labcorp Genetics (formerly Invitae), Labcorp
Classification: Pathogenic. Last evaluated: 2020-07-22. Review status: criteria provided, single submitter. Criteria: Invitae Variant Classification Sherloc (09022015). Collection method: clinical testing. Allele origin: germline.
Comment: This sequence change creates a premature translational stop signal (p.Asp49Argfs*2) in the USP9X gene. It is expected to result in an absent or disrupted protein product. For these reasons, this variant has been classified as Pathogenic. Loss-of-function variants in USP9X are known to be pathogenic (PMID: 26833328, 28377321). This variant has been observed in individual(s) with clinical features of X-linked intellectual disability (Invitae). In at least one individual the variant was observed to be de novo. This variant is not present in population databases (ExAC no frequency).

Literature cited by the submitters: PubMed 26833328; PubMed 28377321.